The following is an entry in ClinVar:

ClinVar aggregate classification (germline): Uncertain significance. Review status: criteria provided, multiple submitters, no conflicts (2 of 4 stars). 5 submissions from 4 submitters: Uncertain significance (5). Last evaluated 2025-09-23.

Conditions:
Autosomal dominant nonsyndromic hearing loss 36. Identifiers: Orphanet 90635, MedGen C1847626, MONDO:0011708, OMIM 606705.
Autosomal recessive nonsyndromic hearing loss 7. Also called: DEAFNESS, AUTOSOMAL RECESSIVE 11. Identifiers: Orphanet 90636, MedGen C1832978, MONDO:0010967, OMIM 600974.

Allele frequency attached by ClinVar (database versions not stated): gnomAD below 0.00001 and 0.00001; TOPMed below 0.00001; gnomAD exomes 0.00001 and 0.00002; ExAC 0.00002.
gnomAD v4.1: 19 of 1,613,492 alleles (0.0012%); highest among the groups gnomAD compares: East Asian, 0.022%; no homozygotes.

Submissions (5):

GeneDx
Classification: Uncertain significance. Last evaluated: 2025-09-23. Review status: criteria provided, single submitter. Criteria: GeneDx Variant Classification Process June 2021. Collection method: clinical testing. Allele origin: germline. Affected: yes.
Comment: Reported in a patient with hearing loss in published literature (PMID: 33724713); In silico analysis suggests that this missense variant does not alter protein structure/function; This variant is associated with the following publications: (PMID: 33724713)

Labcorp Genetics (formerly Invitae), Labcorp
Classification: Uncertain significance. Last evaluated: 2025-03-07. Review status: criteria provided, single submitter. Criteria: Invitae Variant Classification Sherloc (09022015). Collection method: clinical testing. Allele origin: germline.
Comment: This sequence change replaces lysine, which is basic and polar, with glutamine, which is neutral and polar, at codon 125 of the TMC1 protein (p.Lys125Gln). This variant is present in population databases (rs377607548, gnomAD 0.03%). This missense change has been observed in individual(s) with deafness (PMID: 33724713). ClinVar contains an entry for this variant (Variation ID: 546162). Invitae Evidence Modeling of protein sequence and biophysical properties (such as structural, functional, and spatial information, amino acid conservation, physicochemical variation, residue mobility, and thermodynamic stability) indicates that this missense variant is not expected to disrupt TMC1 protein function with a negative predictive value of 80%. In summary, the available evidence is currently insufficient to determine the role of this variant in disease. Therefore, it has been classified as a Variant of Uncertain Significance.

Blueprint Genetics
Classification: Uncertain significance. Last evaluated: 2021-12-10. Review status: criteria provided, single submitter. Criteria: ACMG Guidelines, 2015. Collection method: clinical testing. Allele origin: germline.

Illumina Laboratory Services, Illumina
Classification: Uncertain significance for Autosomal recessive nonsyndromic hearing loss 7. Last evaluated: 2018-01-12. Review status: criteria provided, single submitter. Criteria: ICSL Variant Classification Criteria 13 December 2019. Collection method: clinical testing. Allele origin: germline.

Illumina Laboratory Services, Illumina
Classification: Uncertain significance for Autosomal dominant nonsyndromic hearing loss 36. Last evaluated: 2018-01-12. Review status: criteria provided, single submitter. Criteria: ICSL Variant Classification Criteria 13 December 2019. Collection method: clinical testing. Allele origin: germline.

Literature cited by the submitters: PubMed 33724713 (cited by Labcorp Genetics (formerly Invitae), Labcorp).

NM_138691.3(TMC1):c.373A>C (p.Lys125Gln)

Gene: TMC1 (transmembrane channel like 1; plus strand). Cytogenetic location: 9q21.13.
Variant type: single nucleotide variant.
Coding change: c.373A>C on transcript NM_138691.3 (MANE Select); coding-DNA position 373, A replaced by C.
Protein change: p.Lys125Gln; replaces lysine 125 with glutamine.
Molecular consequence: missense variant.
Genome position (GRCh38, 1-based): chr9:72,740,129, A>C. VCF-style: chr9-72740129-A-C. GRCh37 (hg19) VCF-style: chr9-75355045-A-C.
Other names: short protein forms K125Q.
Identifiers: ClinVar variation 546162 (VCV000546162.15), dbSNP rs377607548, ClinGen allele CA5081655.